The following is an entry in ClinVar:

NM_000062.3(SERPING1):c.1030-1G>A

Gene: SERPING1 (serpin family G member 1; plus strand). Cytogenetic location: 11q12.1.
Variant type: single nucleotide variant.
Coding change: c.1030-1G>A on transcript NM_000062.3 (MANE Select); the canonical splice acceptor site of the intron before coding-DNA position 1030, G replaced by A.
Molecular consequence: splice acceptor variant.
Genome position (GRCh38, 1-based): chr11:57,611,716, G>A. VCF-style: chr11-57611716-G-A. GRCh37 (hg19) VCF-style: chr11-57379189-G-A.
Other names: c.1030-1G>A (NM_001032295.2).
Identifiers: ClinVar variation 3721034 (VCV003721034.2).

ClinVar aggregate classification (germline): Pathogenic (1 of 4 stars; one submission).

Submission:

Labcorp Genetics (formerly Invitae), Labcorp
Classification: Pathogenic. Last evaluated: 2025-06-22. Review status: criteria provided, single submitter. Criteria: Invitae Variant Classification Sherloc (09022015). Collection method: clinical testing. Allele origin: germline.
Comment: This sequence change affects an acceptor splice site in intron 6 of the SERPING1 gene. It is expected to disrupt RNA splicing. Variants that disrupt the donor or acceptor splice site typically lead to a loss of protein function (PMID: 16199547), and loss-of-function variants in SERPING1 are known to be pathogenic (PMID: 11112899, 24456027). This variant is not present in population databases (gnomAD no frequency). Disruption of this splice site has been observed in individuals with hereditary angioedema (PMID: 25258140, 31517426). ClinVar contains an entry for this variant (Variation ID: 3721034). Algorithms developed to predict the effect of sequence changes on RNA splicing suggest that this variant may disrupt the consensus splice site. For these reasons, this variant has been classified as Pathogenic.

Literature cited by the submitters: PubMed 16199547; PubMed 11112899; PubMed 24456027; PubMed 25258140; PubMed 31517426.